The following is an entry in ClinVar:

NM_016247.4(IMPG2):c.2118A>G (p.Ile706Met)

Gene: IMPG2 (interphotoreceptor matrix proteoglycan 2; minus strand). Cytogenetic location: 3q12.3.
Variant type: single nucleotide variant.
Coding change: c.2118A>G on transcript NM_016247.4 (MANE Select); coding-DNA position 2118, A replaced by G.
Protein change: p.Ile706Met; replaces isoleucine 706 with methionine.
Molecular consequence: missense variant.
Genome position (GRCh38, 1-based): chr3:101,244,213, T>C on the plus strand (A>G on the coding strand, the complement: IMPG2 is on the minus strand). VCF-style: chr3-101244213-T-C. GRCh37 (hg19) VCF-style: chr3-100963057-T-C.
Other names: short protein forms I706M.
Identifiers: ClinVar variation 500140 (VCV000500140.11), dbSNP rs142865500, ClinGen allele CA2519038.

ClinVar aggregate classification (germline): Uncertain significance. Review status: criteria provided, multiple submitters, no conflicts (2 of 4 stars). 3 submissions from 3 submitters: Uncertain significance (3). Last evaluated 2024-11-14.

Conditions:
Inborn genetic diseases. Identifiers: MedGen C0950123, MeSH D030342.

Allele frequency attached by ClinVar (database versions not stated): gnomAD exomes 0.00004 and 0.00014; ExAC 0.00005; gnomAD 0.00007 and 0.00008; ESP Exome Variant Server 0.00008; TOPMed 0.00008.
gnomAD v4.1: 217 of 1,613,872 alleles (0.013%); highest among the groups gnomAD compares: Non-Finnish European, 0.018%; no homozygotes.

Submissions (3):

Ambry Genetics
Classification: Uncertain significance for Inborn genetic diseases. Last evaluated: 2024-11-14. Review status: criteria provided, single submitter. Criteria: Ambry Variant Classification Scheme 2023. Collection method: clinical testing. Allele origin: germline.

Labcorp Genetics (formerly Invitae), Labcorp
Classification: Uncertain significance. Last evaluated: 2024-04-17. Review status: criteria provided, single submitter. Criteria: Invitae Variant Classification Sherloc (09022015). Collection method: clinical testing. Allele origin: germline.
Comment: This sequence change replaces isoleucine, which is neutral and non-polar, with methionine, which is neutral and non-polar, at codon 706 of the IMPG2 protein (p.Ile706Met). This variant is present in population databases (rs142865500, gnomAD 0.008%). This variant has not been reported in the literature in individuals affected with IMPG2-related conditions. ClinVar contains an entry for this variant (Variation ID: 500140). Advanced modeling of protein sequence and biophysical properties (such as structural, functional, and spatial information, amino acid conservation, physicochemical variation, residue mobility, and thermodynamic stability) performed at Invitae indicates that this missense variant is not expected to disrupt IMPG2 protein function with a negative predictive value of 80%. In summary, the available evidence is currently insufficient to determine the role of this variant in disease. Therefore, it has been classified as a Variant of Uncertain Significance.

Eurofins Ntd Llc (ga)
Classification: Uncertain significance. Last evaluated: 2017-02-06. Review status: criteria provided, single submitter. Criteria: EGL Classification Definitions 2015. Collection method: clinical testing. Allele origin: germline. Observed: 1 variant allele, 1 heterozygote.